The following is an entry in ClinVar:

ClinVar aggregate classification (germline): Pathogenic/Likely pathogenic. Review status: criteria provided, multiple submitters, no conflicts (2 of 4 stars). 3 submissions from 3 submitters: Pathogenic (1); Likely pathogenic (2). Last evaluated 2026-01-30.

Conditions:
Severe combined immunodeficiency, autosomal recessive, T cell-negative, B cell-negative, NK cell-negative, due to adenosine deaminase deficiency. Also called: ADA deficiency; Adenosine deaminase deficient severe combined immunodeficiency; Severe combined immunodeficiency due to ADA deficiency; SCID DUE TO ADA DEFICIENCY; SCID DUE TO ADA DEFICIENCY, EARLY-ONSET; Adenosine Deaminase Deficiency. Identifiers: Orphanet 277, MedGen C0392607, MONDO:0007064, OMIM 102700.

Allele frequency attached by ClinVar (database versions not stated): gnomAD exomes below 0.00001 and 0.00001.

Submissions (3):

Natera, Inc.
Classification: Likely pathogenic for Severe combined immunodeficiency due to ADA deficiency. Last evaluated: 2026-01-30. Review status: criteria provided, single submitter. Criteria: Natera Variant Classification Schema (03/2026). Collection method: clinical testing. Allele origin: germline.
Comment: The c.1A>G variant in ADA is predicted to result in start loss due to disruption of the initiator methionine. This variant is expected to result in nonsense mediated decay, truncation, or a dysfunctional protein product. This variant is rare in the general population with a frequency below the threshold expected for the associated phenotype(s). This variant has been observed in one or more individuals affected with the associated recessive disease, as either homozygous or compound heterozygous with a second variant (PMID: 31681265). Given the available evidence, this variant is classified as Likely Pathogenic.

Myriad Genetics, Inc.
Classification: Likely pathogenic for Severe combined immunodeficiency, autosomal recessive, T cell-negative, B cell-negative, NK cell-negative, due to adenosine deaminase deficiency. Last evaluated: 2025-03-21. Review status: criteria provided, single submitter. Criteria: Myriad Autosomal Dominant, Autosomal Recessive and X-Linked Classification Criteria (2023). Collection method: clinical testing. Allele origin: unknown.
Comment: NM_000022.2(ADA):c.1A>G(M1?) is an initiation codon variant classified as likely pathogenic in the context of adenosine deaminase deficiency. M1? has been observed in a case with relevant disease (PMID: 31681265). Relevant functional assessments of this variant are not available in the literature. Internal structural analysis of the variant is supportive of pathogenicity. M1? has been observed in referenced population frequency databases. In summary, NM_000022.2(ADA):c.1A>G(M1?) is an initiation codon variant that has functional support for pathogenicity and has been observed more frequently in cases with the relevant disease than in healthy populations. Please note: this variant was assessed in the context of healthy population screening.

Labcorp Genetics (formerly Invitae), Labcorp
Classification: Pathogenic for Severe combined immunodeficiency, autosomal recessive, T cell-negative, B cell-negative, NK cell-negative, due to adenosine deaminase deficiency. Last evaluated: 2024-02-09. Review status: criteria provided, single submitter. Criteria: Invitae Variant Classification Sherloc (09022015). Collection method: clinical testing. Allele origin: germline.
Comment: This sequence change affects the initiator methionine of the ADA mRNA. The next in-frame methionine is located at codon 52. The frequency data for this variant in the population databases is considered unreliable, as metrics indicate poor data quality at this position in the gnomAD database. Disruption of the initiator codon has been observed in individual(s) with primary immunodeficiency (PMID: 31681265). ClinVar contains an entry for this variant (Variation ID: 1066924). This variant disrupts a region of the ADA protein in which other variant(s) (p.His15Asp) have been determined to be pathogenic (PMID: 7599635, 26376800, 27129325). This suggests that this is a clinically significant region of the protein, and that variants that disrupt it are likely to be disease-causing. For these reasons, this variant has been classified as Pathogenic.

Literature cited by the submitters: PubMed 31681265 (cited by 3 submitters); PubMed 7599635 (cited by Labcorp Genetics (formerly Invitae), Labcorp); PubMed 26376800 (cited by Labcorp Genetics (formerly Invitae), Labcorp); PubMed 27129325 (cited by Labcorp Genetics (formerly Invitae), Labcorp).

NM_000022.4(ADA):c.1A>G (p.Met1Val)

Genes: ADA (adenosine deaminase; minus strand), LOC107303343 (adenosine deaminase intronic regulatory elements; plus strand). Cytogenetic location: 20q13.12.
Variant type: single nucleotide variant.
Coding change: c.1A>G on transcript NM_000022.4 (MANE Select); coding-DNA position 1, A replaced by G.
Protein change: p.Met1Val; changes the start codon (methionine 1).
Molecular consequence: missense variant, initiator codon variant. On other transcripts: 5 prime UTR variant (1), non-coding transcript variant (1).
Genome position (GRCh38, 1-based): chr20:44,651,607, T>C on the plus strand (A>G on the coding strand, the complement: ADA is on the minus strand). VCF-style: chr20-44651607-T-C. GRCh37 (hg19) VCF-style: chr20-43280248-T-C.
Other names: c.-289A>G (NM_001322050.2); c.1A>G, p.Met1Val (NM_001322051.2); c.1A>G (NM_000022.3); short protein forms M1V.
Identifiers: ClinVar variation 1066924 (VCV001066924.12), dbSNP rs1363043396, ClinGen allele CA409122637.